The following is an entry in ClinVar:

NM_005428.4(VAV1):c.2087G>A (p.Arg696Gln)

Gene: VAV1 (vav guanine nucleotide exchange factor 1; plus strand). Cytogenetic location: 19p13.3.
Variant type: single nucleotide variant.
Coding change: c.2087G>A on transcript NM_005428.4 (MANE Select); coding-DNA position 2087, G replaced by A.
Protein change: p.Arg696Gln; replaces arginine 696 with glutamine.
Molecular consequence: missense variant.
Genome position (GRCh38, 1-based): chr19:6,848,072, G>A. VCF-style: chr19-6848072-G-A. GRCh37 (hg19) VCF-style: chr19-6848083-G-A.
Other names: c.2021G>A, p.Arg674Gln (NM_001258206.2); c.1991G>A, p.Arg664Gln (NM_001258207.2); short protein forms R664Q, R674Q, R696Q.
Identifiers: ClinVar variation 1954481 (VCV001954481.5), dbSNP rs1158113451, ClinGen allele CA403635266.

ClinVar aggregate classification (germline): Uncertain significance (1 of 4 stars; one submission).

Allele frequency attached by ClinVar (database versions not stated): gnomAD 0.00001.

Submission:

Labcorp Genetics (formerly Invitae), Labcorp
Classification: Uncertain significance. Last evaluated: 2022-10-20. Review status: criteria provided, single submitter. Criteria: Invitae Variant Classification Sherloc (09022015). Collection method: clinical testing. Allele origin: germline.
Comment: In summary, the available evidence is currently insufficient to determine the role of this variant in disease. Therefore, it has been classified as a Variant of Uncertain Significance. Algorithms developed to predict the effect of missense changes on protein structure and function are either unavailable or do not agree on the potential impact of this missense change (SIFT: "Deleterious"; PolyPhen-2: "Probably Damaging"; Align-GVGD: "Class C0"). This sequence change replaces arginine, which is basic and polar, with glutamine, which is neutral and polar, at codon 696 of the VAV1 protein (p.Arg696Gln). This variant is present in population databases (no rsID available, gnomAD 0.01%). This variant has not been reported in the literature in individuals affected with VAV1-related conditions.